The following is an entry in ClinVar:

ClinVar aggregate classification (germline): Benign/Likely benign. Review status: criteria provided, multiple submitters, no conflicts (2 of 4 stars). 5 submissions from 5 submitters: Benign (1); Likely benign (4). Last evaluated 2024-11-12.

Conditions:
Familial adenomatous polyposis 1 (FAP1). Also called: POLYPOSIS, ADENOMATOUS INTESTINAL; FAMILIAL ADENOMATOUS POLYPOSIS 1, ATTENUATED. Identifiers: MedGen C2713442, MONDO:0021056, OMIM 175100. Disease mechanism: loss of function.
Classic or attenuated familial adenomatous polyposis. Identifiers: MedGen CN372698, MONDO:0021057.
Hereditary cancer-predisposing syndrome. Also called: Hereditary Cancer Syndrome; Neoplastic Syndromes, Hereditary; Tumor predisposition; Hereditary neoplastic syndrome. Identifiers: Orphanet 140162, MedGen C0027672, MeSH D009386, MONDO:0015356.

Allele frequency attached by ClinVar (database versions not stated): TOPMed below 0.00001; ExAC 0.00001; gnomAD 0.00001.
gnomAD v4.1: 4 of 1,613,660 alleles (0.00025%); highest among the groups gnomAD compares: Admixed American, 0.005%; no homozygotes.

Submissions (5):

Labcorp Genetics (formerly Invitae), Labcorp
Classification: Likely benign for Familial adenomatous polyposis 1. Last evaluated: 2024-11-12. Review status: criteria provided, single submitter. Criteria: Invitae Variant Classification Sherloc (09022015). Collection method: clinical testing. Allele origin: germline.

Myriad Genetics, Inc.
Classification: Benign for Familial adenomatous polyposis 1. Last evaluated: 2024-04-11. Review status: criteria provided, single submitter. Criteria: Myriad Autosomal Dominant, Autosomal Recessive and X-Linked Classification Criteria (2023). Collection method: clinical testing. Allele origin: unknown.
Comment: This variant is considered benign. This variant is a silent/synonymous amino acid change and it is not expected to impact splicing.

All of Us Research Program, National Institutes of Health
Classification: Likely benign for Classic or attenuated familial adenomatous polyposis. Last evaluated: 2023-05-16. Review status: criteria provided, single submitter. Criteria: ACMG Guidelines, 2015. Collection method: clinical testing. Allele origin: germline. Inheritance: Autosomal dominant inheritance. Observed: 1 variant allele, 1 heterozygote.
Comment: This study involves interpretation of variants in research participants for the purpose of population health screening. Participant phenotype was not available at the time of variant classification. Additional details can be found in publication PMID: 35346344, PMCID: PMC8962531

Ambry Genetics
Classification: Likely benign for Hereditary cancer-predisposing syndrome. Last evaluated: 2023-04-28. Review status: criteria provided, single submitter. Criteria: Ambry Variant Classification Scheme 2023. Collection method: clinical testing. Allele origin: germline.

Color Diagnostics, LLC DBA Color Health
Classification: Likely benign for Hereditary cancer-predisposing syndrome. Last evaluated: 2017-03-08. Review status: criteria provided, single submitter. Criteria: ACMG Guidelines, 2015. Collection method: clinical testing. Allele origin: germline.

NM_000038.6(APC):c.7932T>A (p.Ile2644=)

Gene: APC (APC regulator of Wnt signaling pathway; plus strand). Cytogenetic location: 5q22.2.
Variant type: single nucleotide variant.
Coding change: c.7932T>A on transcript NM_000038.6 (MANE Select); coding-DNA position 7932, T replaced by A.
Protein change: p.Ile2644=; no amino-acid change (isoleucine 2644 retained).
Molecular consequence: synonymous variant.
Genome position (GRCh38, 1-based): chr5:112,843,526, T>A. VCF-style: chr5-112843526-T-A. GRCh37 (hg19) VCF-style: chr5-112179223-T-A.
Other names: c.7932T>A, p.Ile2644= (NM_001127510.3, NM_001354895.2); c.7878T>A, p.Ile2626= (NM_001127511.3); c.7986T>A, p.Ile2662= (NM_001354896.2); c.7962T>A, p.Ile2654= (NM_001354897.2); c.7857T>A, p.Ile2619= (NM_001354898.2); c.7848T>A, p.Ile2616= (NM_001354899.2); c.7809T>A, p.Ile2603= (NM_001354900.2); c.7755T>A, p.Ile2585= (NM_001354901.2); and 5 more.
Identifiers: ClinVar variation 490367 (VCV000490367.17), dbSNP rs781734502, ClinGen allele CA049500.